The following is an entry in ClinVar:

NM_183357.3(ADCY5):c.1268G>C (p.Arg423Pro)

Gene: ADCY5 (adenylate cyclase 5; minus strand). Cytogenetic location: 3q21.1.
Variant type: single nucleotide variant.
Coding change: c.1268G>C on transcript NM_183357.3 (MANE Select); coding-DNA position 1268, G replaced by C.
Protein change: p.Arg423Pro; replaces arginine 423 with proline.
Molecular consequence: missense variant.
Genome position (GRCh38, 1-based): chr3:123,352,448, C>G on the plus strand (G>C on the coding strand, the complement: ADCY5 is on the minus strand). VCF-style: chr3-123352448-C-G. GRCh37 (hg19) VCF-style: chr3-123071295-C-G.
Other names: c.218G>C, p.Arg73Pro (NM_001199642.1); c.1268G>C, p.Arg423Pro (NM_001378259.1); short protein forms R423P, R73P.
Identifiers: ClinVar variation 1700455 (VCV001700455.3), dbSNP rs199785976, ClinGen allele CA354222518.

ClinVar aggregate classification (germline): Uncertain significance (1 of 4 stars; one submission).

Submission:

GeneDx
Classification: Uncertain significance. Last evaluated: 2023-05-04. Review status: criteria provided, single submitter. Criteria: GeneDx Variant Classification Process June 2021. Collection method: clinical testing. Allele origin: germline. Affected: yes.
Comment: Not observed at significant frequency in large population cohorts (gnomAD); In silico analysis supports that this missense variant has a deleterious effect on protein structure/function; Has not been previously published as pathogenic or benign to our knowledge